The following is an entry in ClinVar:

ClinVar aggregate classification (germline): Uncertain significance. Review status: criteria provided, multiple submitters, no conflicts (2 of 4 stars). 3 submissions from 3 submitters: Uncertain significance (3). Last evaluated 2024-11-13.

Conditions:
TBC1D7-related disorder. Also called: TBC1D7-related condition.

Allele frequency attached by ClinVar (database versions not stated): ExAC 0.00003; gnomAD exomes 0.00004; gnomAD 0.00005.

Submissions (3):

Blueprint Genetics
Classification: Uncertain significance. Last evaluated: 2024-11-13. Review status: criteria provided, single submitter. Criteria: ACMG Guidelines, 2015. Collection method: clinical testing. Allele origin: germline.

Ambry Genetics
Classification: Uncertain significance. Last evaluated: 2023-10-10. Review status: criteria provided, single submitter. Criteria: Ambry Variant Classification Scheme 2023. Collection method: clinical testing. Allele origin: germline.

PreventionGenetics, part of Exact Sciences
Classification: Uncertain significance for TBC1D7-related condition. Last evaluated: 2023-05-05. Review status: criteria provided, single submitter. Criteria: ACMG Guidelines, 2015. Collection method: clinical testing. Allele origin: germline.
Comment: The TBC1D7 c.499C>T variant is predicted to result in the amino acid substitution p.Arg167Trp. To our knowledge, this variant has not been reported in the literature. This variant is reported in 0.010% of alleles in individuals of East Asian descent in gnomAD. At this time, the clinical significance of this variant is uncertain due to the absence of conclusive functional and genetic evidence.

NM_016495.6(TBC1D7):c.499C>T (p.Arg167Trp)

Genes: TBC1D7 (TBC1 domain family member 7; minus strand), TBC1D7-LOC100130357 (TBC1D7-LOC100130357 readthrough; minus strand). Cytogenetic location: 6p24.1.
Variant type: single nucleotide variant.
Coding change: c.499C>T on transcript NM_016495.6 (MANE Select); coding-DNA position 499, C replaced by T.
Protein change: p.Arg167Trp; replaces arginine 167 with tryptophan.
Molecular consequence: missense variant. On other transcripts: non-coding transcript variant (1), intron variant (1).
Genome position (GRCh38, 1-based): chr6:13,316,591, G>A on the plus strand (C>T on the coding strand, the complement: TBC1D7 is on the minus strand). VCF-style: chr6-13316591-G-A. GRCh37 (hg19) VCF-style: chr6-13316823-G-A.
Other names: c.499C>T, p.Arg167Trp (NM_001318809.2, NM_001143964.4, NM_001143965.4 and 1 more transcripts); c.418C>T, p.Arg140Trp (NM_001143966.4); c.381+4317C>T (NM_001258457.3); short protein forms R140W, R167W.
Identifiers: ClinVar variation 2635982 (VCV002635982.3), dbSNP rs767151296, ClinGen allele CA3639731.